The following is an entry in ClinVar:

ClinVar aggregate classification (germline): Pathogenic/Likely pathogenic. Review status: criteria provided, multiple submitters, no conflicts (2 of 4 stars). 3 submissions from 3 submitters: Pathogenic (1); Likely pathogenic (2). Last evaluated 2026-01-14.

Conditions:
Brody myopathy. Also called: BRODY DISEASE. Identifiers: Orphanet 53347, MedGen C1832918, MONDO:0010977, OMIM 601003.

Submissions (3):

Labcorp Genetics (formerly Invitae), Labcorp
Classification: Pathogenic for Brody myopathy. Last evaluated: 2026-01-14. Review status: criteria provided, single submitter. Criteria: Invitae Variant Classification Sherloc (09022015). Collection method: clinical testing. Allele origin: germline.
Comment: This sequence change creates a premature translational stop signal (p.Tyr858*) in the ATP2A1 gene. It is expected to result in an absent or disrupted protein product. Loss-of-function variants in ATP2A1 are known to be pathogenic (PMID: 8841193, 10914677, 23911890). This variant is present in population databases (rs368234110, gnomAD 0.002%). This variant has not been reported in the literature in individuals affected with ATP2A1-related conditions. ClinVar contains an entry for this variant (Variation ID: 1323957). Algorithms developed to predict the effect of sequence changes on RNA splicing suggest that this variant may disrupt the consensus splice site. For these reasons, this variant has been classified as Pathogenic.

Fulgent Genetics
Classification: Likely pathogenic for Brody myopathy. Last evaluated: 2021-08-26. Review status: criteria provided, single submitter. Criteria: ACMG Guidelines, 2015. Collection method: clinical testing. Allele origin: unknown.

Revvity Omics, Revvity
Classification: Likely pathogenic for Brody myopathy. Last evaluated: 2019-08-19. Review status: criteria provided, single submitter. Criteria: ACMG Guidelines, 2015. Collection method: clinical testing. Allele origin: germline.

Literature cited by the submitters: PubMed 8841193 (cited by Labcorp Genetics (formerly Invitae), Labcorp); PubMed 10914677 (cited by Labcorp Genetics (formerly Invitae), Labcorp); PubMed 23911890 (cited by Labcorp Genetics (formerly Invitae), Labcorp).

NM_004320.6(ATP2A1):c.2574C>A (p.Tyr858Ter)

Gene: ATP2A1 (ATPase sarcoplasmic/endoplasmic reticulum Ca2+ transporting 1; plus strand). Cytogenetic location: 16p11.2.
Variant type: single nucleotide variant.
Coding change: c.2574C>A on transcript NM_004320.6 (MANE Select); coding-DNA position 2574, C replaced by A.
Protein change: p.Tyr858Ter; replaces tyrosine 858 with a stop codon.
Molecular consequence: nonsense.
Genome position (GRCh38, 1-based): chr16:28,902,629, C>A. VCF-style: chr16-28902629-C-A. GRCh37 (hg19) VCF-style: chr16-28913950-C-A.
Other names: c.2199C>A, p.Tyr733Ter (NM_001286075.2); c.2574C>A, p.Tyr858Ter (NM_173201.5); short protein forms Y733*, Y858*.
Identifiers: ClinVar variation 1323957 (VCV001323957.7), dbSNP rs368234110, ClinGen allele CA7987312.